The following is an entry in ClinVar:

NM_001349338.3(FOXP1):c.1568T>C (p.Phe523Ser)

Gene: FOXP1 (forkhead box P1; minus strand). Cytogenetic location: 3p13.
Variant type: single nucleotide variant.
Coding change: c.1568T>C on transcript NM_001349338.3 (MANE Select); coding-DNA position 1568, T replaced by C.
Protein change: p.Phe523Ser; replaces phenylalanine 523 with serine.
Molecular consequence: missense variant. On other transcripts: non-coding transcript variant (2), intron variant (1).
Genome position (GRCh38, 1-based): chr3:70,972,639, A>G on the plus strand (T>C on the coding strand, the complement: FOXP1 is on the minus strand). VCF-style: chr3-70972639-A-G. GRCh37 (hg19) VCF-style: chr3-71021790-A-G.
Other names: c.1565T>C, p.Phe522Ser (NM_001244808.3, NM_001349341.3); c.1340T>C, p.Phe447Ser (NM_001244812.3); c.1268T>C, p.Phe423Ser (NM_001244813.3, NM_001244815.2, NM_001349342.3); c.1568T>C, p.Phe523Ser (NM_001244814.3, NM_001244816.2, NM_001349340.3 and 1 more transcripts); c.1265T>C, p.Phe422Ser (NM_001349337.2, NM_001349343.3, NM_001349344.3 and 1 more transcripts); c.1531-459T>C (NM_001244810.2); short protein forms F523S, F423S, F447S, F422S, F522S.
Identifiers: ClinVar variation 560721 (VCV000560721.3), dbSNP rs1559602593, ClinGen allele CA353491746.

ClinVar aggregate classification (germline): Conflicting classifications of pathogenicity. Review status: criteria provided, conflicting classifications (1 of 4 stars). 3 submissions from 3 submitters: Likely pathogenic (1); Uncertain significance (2). Last evaluated 2022-09-02.

Conditions:
Intellectual disability-severe speech delay-mild dysmorphism syndrome (IDDLA). Also called: Mental retardation with language impairment and autistic features; FOXP1 Syndrome; Intellectual developmental disorder with language impairment AND with or without autistic features. Identifiers: Orphanet 391372, MedGen C4013764, MONDO:0013352, OMIM 613670.

Submissions (3):

Victorian Clinical Genetics Services, Murdoch Childrens Research Institute
Classification: Uncertain significance for Intellectual disability-severe speech delay-mild dysmorphism syndrome. Last evaluated: 2022-09-02. Review status: criteria provided, single submitter. Criteria: ACMG Guidelines, 2015. Collection method: clinical testing. Allele origin: germline. Inheritance: Autosomal dominant inheritance. Affected: yes.
Comment: Based on the classification scheme VCGS_Germline_v1.3.4, this variant is classified as VUS-3A. Following criteria are met: 0102 - Loss of function is a known mechanism of disease in this gene and is associated with Intellectual developmental disorder with language impairment with or without autistic features (MIM#613670). Dominant-negative is also a suggested disease mechanism (OMIM). (I) 0107 - This gene is associated with autosomal dominant disease. (I) 0200 - Variant is predicted to result in a missense amino acid change from phenylalanine to serine. (I) 0251 - This variant is heterozygous. (I) 0301 - Variant is absent from gnomAD (both v2 and v3). (SP) 0501 - Missense variant consistently predicted to be damaging by multiple in silico tools or highly conserved with a major amino acid change. (SP) 0603 - Missense variant in a region that is highly intolerant to missense variation (high constraint region in DECIPHER). (SP) 0705 - No comparable missense variants have previous evidence for pathogenicity. (I) 0809 - Previous evidence of pathogenicity for this variant is inconclusive. It has been classified as a VUS by a diagnostic laboratory however, no further evidence was provided. (I) 0905 - No published segregation evidence has been identified for this variant. (I) 1007 - No published functional evidence has been identified for this variant. (I) 1207 - Parental origin of the variant is unresolved. (I) Legend: (SP) - Supporting pathogenic, (I) - Information, (SB) - Supporting benign

Mendelics
Classification: Likely pathogenic for Intellectual disability-severe speech delay-mild dysmorphism syndrome. Last evaluated: 2022-05-04. Review status: criteria provided, single submitter. Criteria: Mendelics Assertion Criteria 2019. Collection method: clinical testing. Allele origin: germline.

MVZ Martinsried, Medicover Genetics
Classification: Uncertain significance for Intellectual disability-severe speech delay-mild dysmorphism syndrome. Last evaluated: 2018-06-29. Review status: criteria provided, single submitter. Criteria: ACMG Guidelines, 2015. Collection method: clinical testing. Allele origin: unknown. Affected: yes.